The following is an entry in ClinVar:

ClinVar aggregate classification (germline): Benign. Review status: criteria provided, multiple submitters, no conflicts (2 of 4 stars). 6 submissions from 6 submitters: Benign (6). Last evaluated 2026-02-04.

Conditions:
Fraser syndrome 2 (FRASRS2). Identifiers: MedGen C4540036, MONDO:0054738, OMIM 617666.

Allele frequency attached by ClinVar (database versions not stated): gnomAD exomes 0.14826 and 0.17963; ExAC 0.17204; ESP Exome Variant Server 0.18822; gnomAD 0.19505 and 0.19705; 1000 Genomes Project 0.20068; 1000 Genomes Project 30x 0.21034; TOPMed 0.21397.
gnomAD v4.1: 246,323 of 1,611,038 alleles (15%); highest among the groups gnomAD compares: Admixed American, 35%; 21,966 homozygotes.

Submissions (6):

Labcorp Genetics (formerly Invitae), Labcorp
Classification: Benign. Last evaluated: 2026-02-04. Review status: criteria provided, single submitter. Criteria: Invitae Variant Classification Sherloc (09022015). Collection method: clinical testing. Allele origin: germline.

Blueprint Genetics
Classification: Benign. Last evaluated: 2024-11-27. Review status: criteria provided, single submitter. Criteria: ACMG Guidelines, 2015. Collection method: clinical testing. Allele origin: germline.

Mayo Clinic Laboratories, Mayo Clinic
Classification: Benign. Last evaluated: 2022-03-09. Review status: criteria provided, single submitter. Criteria: ACMG Guidelines, 2015. Collection method: clinical testing. Allele origin: germline. Observed: 21 variant alleles.

GeneDx
Classification: Benign. Last evaluated: 2021-06-09. Review status: criteria provided, single submitter. Criteria: GeneDx Variant Classification Process June 2021. Collection method: clinical testing. Allele origin: germline. Affected: yes.

Illumina Laboratory Services, Illumina
Classification: Benign for Fraser syndrome 2. Last evaluated: 2018-01-13. Review status: criteria provided, single submitter. Criteria: ICSL Variant Classification Criteria 13 December 2019. Collection method: clinical testing. Allele origin: germline.
Comment: This variant was observed in the ICSL laboratory as part of a predisposition screen in an ostensibly healthy population. It had not been previously curated by ICSL or reported in the Human Gene Mutation Database (HGMD: prior to June 1st, 2018), and was therefore a candidate for classification through an automated scoring system. Utilizing variant allele frequency, disease prevalence and penetrance estimates, and inheritance mode, an automated score was calculated to assess if this variant is too frequent to cause the disease. Based on the score and internal cut-off values, a variant classified as benign is not then subjected to further curation. The score for this variant resulted in a classification of benign for this disease.

Breakthrough Genomics
Classification: Benign. Review status: criteria provided, single submitter. Criteria: ACMG Guidelines, 2015. Collection method: not provided. Allele origin: germline. Inheritance: Autosomal recessive inheritance. Affected: yes.

NM_207361.6(FREM2):c.7984-10G>A

Gene: FREM2 (FRAS1 related extracellular matrix 2; plus strand). Cytogenetic location: 13q13.3.
Variant type: single nucleotide variant.
Coding change: c.7984-10G>A on transcript NM_207361.6 (MANE Select); 10 bases into the intron before coding-DNA position 7984, G replaced by A.
Molecular consequence: intron variant.
Genome position (GRCh38, 1-based): chr13:38,872,732, G>A. VCF-style: chr13-38872732-G-A. GRCh37 (hg19) VCF-style: chr13-39446869-G-A.
Other names: p.?.
Identifiers: ClinVar variation 312022 (VCV000312022.16), dbSNP rs9532295, ClinGen allele CA6956015.
Genomic context (GRCh38, chr13:38,872,732, plus strand): 5'-GGCTTGTACAAAATTAGGCCCACTTAGTTAACACTGAGTCATGTTGATTGATGTAATTTT[G>A]TTGTTTTAGGTCCTAAACCTAGTGCAGTCCTATGTGACCCTTCGAGTCCCTCTGTATGTT-3'